The following is an entry in ClinVar:

NM_000742.4(CHRNA2):c.953T>A (p.Ile318Asn)

Gene: CHRNA2 (cholinergic receptor nicotinic alpha 2 subunit; minus strand). Cytogenetic location: 8p21.2.
Variant type: single nucleotide variant.
Coding change: c.953T>A on transcript NM_000742.4 (MANE Select); coding-DNA position 953, T replaced by A.
Protein change: p.Ile318Asn; replaces isoleucine 318 with asparagine.
Molecular consequence: missense variant.
Genome position (GRCh38, 1-based): chr8:27,463,490, A>T on the plus strand (T>A on the coding strand, the complement: CHRNA2 is on the minus strand). VCF-style: chr8-27463490-A-T. GRCh37 (hg19) VCF-style: chr8-27321007-A-T.
Other names: c.908T>A, p.Ile303Asn (NM_001282455.2); c.476T>A, p.Ile159Asn (NM_001347705.2, NM_001347706.2); c.359T>A, p.Ile120Asn (NM_001347707.2, NM_001347708.2); short protein forms I120N, I159N, I318N, I303N.
Identifiers: ClinVar variation 2991342 (VCV002991342.3), dbSNP rs762812430, ClinGen allele CA4689568.

ClinVar aggregate classification (germline): Uncertain significance (1 of 4 stars; one submission).

Conditions:
Familial sleep-related hypermotor epilepsy. Also called: Autosomal Dominant Sleep-Related Hypermotor (Hyperkinetic) Epilepsy. Identifiers: Orphanet 98784, MedGen C3696898, MONDO:0000030.

Allele frequency attached by ClinVar (database versions not stated): gnomAD exomes below 0.00001; ExAC 0.00001.
gnomAD v4.1: 2 of 1,614,178 alleles (0.00012%); highest among the groups gnomAD compares: Non-Finnish European, 0.00017%; no homozygotes.

Submission:

Labcorp Genetics (formerly Invitae), Labcorp
Classification: Uncertain significance. Last evaluated: 2025-08-21. Review status: criteria provided, single submitter. Criteria: Invitae Variant Classification Sherloc (09022015). Collection method: clinical testing. Allele origin: germline.
Comment: This sequence change replaces isoleucine, which is neutral and non-polar, with asparagine, which is neutral and polar, at codon 318 of the CHRNA2 protein (p.Ile318Asn). This variant is present in population databases (rs762812430, gnomAD 0.0009%). This variant has not been reported in the literature in individuals affected with CHRNA2-related conditions. ClinVar contains an entry for this variant (Variation ID: 2991342). Invitae Evidence Modeling of protein sequence and biophysical properties (such as structural, functional, and spatial information, amino acid conservation, physicochemical variation, residue mobility, and thermodynamic stability) indicates that this missense variant is expected to disrupt CHRNA2 protein function with a positive predictive value of 80%. In summary, the available evidence is currently insufficient to determine the role of this variant in disease. Therefore, it has been classified as a Variant of Uncertain Significance.